The following is an entry in ClinVar:

ClinVar aggregate classification (germline): Uncertain significance. Review status: criteria provided, multiple submitters, no conflicts (2 of 4 stars). 2 submissions from 2 submitters: Uncertain significance (2). Last evaluated 2025-05-26.

Allele frequency attached by ClinVar (database versions not stated): ESP Exome Variant Server 0.00008.
gnomAD v4.1: 24 of 1,612,918 alleles (0.0015%); highest among the groups gnomAD compares: African/African-American, 0.021%; no homozygotes.

Submissions (2):

Labcorp Genetics (formerly Invitae), Labcorp
Classification: Uncertain significance. Last evaluated: 2025-05-26. Review status: criteria provided, single submitter. Criteria: Invitae Variant Classification Sherloc (09022015). Collection method: clinical testing. Allele origin: germline.
Comment: This sequence change replaces glutamic acid, which is acidic and polar, with glycine, which is neutral and non-polar, at codon 31 of the SLCO5A1 protein (p.Glu31Gly). This variant is present in population databases (rs199597398, gnomAD 0.03%). This variant has not been reported in the literature in individuals affected with SLCO5A1-related conditions. ClinVar contains an entry for this variant (Variation ID: 2170886). An algorithm developed to predict the effect of missense changes on protein structure and function (PolyPhen-2) suggests that this variant is likely to be tolerated. In summary, the available evidence is currently insufficient to determine the role of this variant in disease. Therefore, it has been classified as a Variant of Uncertain Significance.

Ambry Genetics
Classification: Uncertain significance. Last evaluated: 2024-10-08. Review status: criteria provided, single submitter. Criteria: Ambry Variant Classification Scheme 2023. Collection method: clinical testing. Allele origin: germline.

NM_030958.3(SLCO5A1):c.92A>G (p.Glu31Gly)

Gene: SLCO5A1 (solute carrier organic anion transporter family member 5A1; minus strand). Cytogenetic location: 8q13.3.
Variant type: single nucleotide variant.
Coding change: c.92A>G on transcript NM_030958.3 (MANE Select); coding-DNA position 92, A replaced by G.
Protein change: p.Glu31Gly; replaces glutamic acid 31 with glycine.
Molecular consequence: missense variant.
Genome position (GRCh38, 1-based): chr8:69,832,582, T>C on the plus strand (A>G on the coding strand, the complement: SLCO5A1 is on the minus strand). VCF-style: chr8-69832582-T-C. GRCh37 (hg19) VCF-style: chr8-70744817-T-C.
Other names: c.92A>G, p.Glu31Gly (NM_001146008.2, NM_001146009.1); c.92A>G (NM_030958.2); short protein forms E31G.
Identifiers: ClinVar variation 2170886 (VCV002170886.6), dbSNP rs199597398, ClinGen allele CA4776891.